The following is an entry in ClinVar:

NM_000030.3(AGXT):c.906G>A (p.Leu302=)

Gene: AGXT (alanine--glyoxylate aminotransferase; plus strand). Cytogenetic location: 2q37.3.
Variant type: single nucleotide variant.
Coding change: c.906G>A on transcript NM_000030.3 (MANE Select); coding-DNA position 906, G replaced by A.
Protein change: p.Leu302=; no amino-acid change (leucine 302 retained).
Molecular consequence: synonymous variant.
Genome position (GRCh38, 1-based): chr2:240,877,596, G>A. VCF-style: chr2-240877596-G-A. GRCh37 (hg19) VCF-style: chr2-241817013-G-A.
Identifiers: ClinVar variation 1577020 (VCV001577020.31), dbSNP rs2059033717, ClinGen allele CA432025490.

ClinVar aggregate classification (germline): Likely benign. Review status: criteria provided, multiple submitters, no conflicts (2 of 4 stars). 2 submissions from 2 submitters: Likely benign (2). Last evaluated 2023-08-02.

Allele frequency attached by ClinVar (database versions not stated): TOPMed 0.00001.
gnomAD v4.1: 2 of 1,550,966 alleles (0.00013%); highest among the groups gnomAD compares: South Asian, 0.0012%; no homozygotes.

Submissions (2):

Labcorp Genetics (formerly Invitae), Labcorp
Classification: Likely benign. Last evaluated: 2023-08-02. Review status: criteria provided, single submitter. Criteria: Invitae Variant Classification Sherloc (09022015). Collection method: clinical testing. Allele origin: germline.

CeGaT Center for Human Genetics Tuebingen
Classification: Likely benign. Last evaluated: 2022-07-01. Review status: criteria provided, single submitter. Criteria: CeGaT Center For Human Genetics Tuebingen Variant Classification Criteria Version 2. Collection method: clinical testing. Allele origin: germline. Affected: yes. Observed: 1 variant allele.
Comment: AGXT: PM2:Supporting, BP4, BP7